The following is an entry in ClinVar:

NM_000218.3(KCNQ1):c.1393+21257T>C

Genes: KCNQ1 (potassium voltage-gated channel subfamily Q member 1; plus strand), KCNQ1OT1 (KCNQ1 opposite strand/antisense transcript 1; minus strand). Cytogenetic location: 11p15.5.
Variant type: single nucleotide variant.
Coding change: c.1393+21257T>C on transcript NM_000218.3 (MANE Select); 21257 bases into the intron after coding-DNA position 1393, T replaced by C.
Molecular consequence: intron variant.
Genome position (GRCh38, 1-based): chr11:2,610,111, T>C. VCF-style: chr11-2610111-T-C. GRCh37 (hg19) VCF-style: chr11-2631341-T-C.
Other names: c.1123+21257T>C (NM_001406837.1); c.1297+21257T>C (NM_001406836.1); c.853+21257T>C (NM_001406838.1); c.1012+21257T>C (NM_181798.2).
Identifiers: ClinVar variation 1711272 (VCV001711272.31), dbSNP rs190484983, ClinGen allele CA216356076.

ClinVar aggregate classification (germline): Benign/Likely benign. Review status: criteria provided, multiple submitters, no conflicts (2 of 4 stars). 2 submissions from 2 submitters: Benign (1); Likely benign (1). Last evaluated 2026-09-01.

Allele frequency attached by ClinVar (database versions not stated): 1000 Genomes Project 0.00040; 1000 Genomes Project 30x 0.00094; TOPMed 0.00263; gnomAD 0.00289; gnomAD exomes 0.00384.
gnomAD v4.1: 1,376 of 397,978 alleles (0.35%); highest among the groups gnomAD compares: Non-Finnish European, 0.47%; 1 homozygote.

Submissions (2):

CeGaT Center for Human Genetics Tuebingen
Classification: Benign. Last evaluated: 2026-09-01. Review status: criteria provided, single submitter. Criteria: CeGaT Center For Human Genetics Tuebingen Variant Classification Criteria Version 2. Collection method: clinical testing. Allele origin: germline. Affected: yes. Observed: 33 variant alleles.
Comment: KCNQ1OT1: BS1, BS2

Blueprint Genetics
Classification: Likely benign. Last evaluated: 2024-11-27. Review status: criteria provided, single submitter. Criteria: ACMG Guidelines, 2015. Collection method: clinical testing. Allele origin: germline.